The following is an entry in ClinVar:

ClinVar aggregate classification (germline): Benign. Review status: criteria provided, multiple submitters, no conflicts (2 of 4 stars). 3 submissions from 3 submitters: Benign (3). Last evaluated 2026-01-17.

Allele frequency attached by ClinVar (database versions not stated): gnomAD exomes 0.00074 and 0.00218; ExAC 0.00311; gnomAD 0.00880 and 0.00929; TOPMed 0.00968; ESP Exome Variant Server 0.01069; 1000 Genomes Project 0.01158; 1000 Genomes Project 30x 0.01312.
gnomAD v4.1: 2,459 of 1,614,016 alleles (0.15%); highest among the groups gnomAD compares: African/African-American, 3%; 30 homozygotes.

Submissions (3):

Labcorp Genetics (formerly Invitae), Labcorp
Classification: Benign. Last evaluated: 2026-01-17. Review status: criteria provided, single submitter. Criteria: Invitae Variant Classification Sherloc (09022015). Collection method: clinical testing. Allele origin: germline.

Mayo Clinic Laboratories, Mayo Clinic
Classification: Benign. Last evaluated: 2024-01-02. Review status: criteria provided, single submitter. Criteria: ACMG Guidelines, 2015. Collection method: clinical testing. Allele origin: germline. Observed: 4 variant alleles.
Comment: BA1, BS2, BP4, BP7

Breakthrough Genomics
Classification: Benign. Review status: criteria provided, single submitter. Criteria: ACMG Guidelines, 2015. Collection method: not provided. Allele origin: germline. Inheritance: Autosomal recessive inheritance. Affected: yes.

NM_005559.4(LAMA1):c.3156T>C (p.Thr1052=)

Gene: LAMA1 (laminin subunit alpha 1; minus strand). Cytogenetic location: 18p11.31.
Variant type: single nucleotide variant.
Coding change: c.3156T>C on transcript NM_005559.4 (MANE Select); coding-DNA position 3156, T replaced by C.
Protein change: p.Thr1052=; no amino-acid change (threonine 1052 retained).
Molecular consequence: synonymous variant.
Genome position (GRCh38, 1-based): chr18:7,014,022, A>G on the plus strand (T>C on the coding strand, the complement: LAMA1 is on the minus strand). VCF-style: chr18-7014022-A-G. GRCh37 (hg19) VCF-style: chr18-7014021-A-G.
Other names: p.Thr1052=.
Identifiers: ClinVar variation 781354 (VCV000781354.12), dbSNP rs115609096, ClinGen allele CA8882372.